The following is an entry in ClinVar:

NM_000138.5(FBN1):c.6037+2_6037+24del

Gene: FBN1 (fibrillin 1; minus strand). Cytogenetic location: 15q21.1.
Variant type: Deletion.
Coding change: c.6037+2_6037+24del on transcript NM_000138.5 (MANE Select); the canonical splice donor site of the intron after coding-DNA position 6037 through 24 bases into the intron after coding-DNA position 6037, 23 bases deleted (TAGGAAAGCTATCAGTTGTAGCA).
Molecular consequence: splice donor variant.
Genome position (GRCh38, 1-based): chr15:48,444,517-48,444,539, TGCTACAACTGATAGCTTTCCTA deleted on the plus strand (TAGGAAAGCTATCAGTTGTAGCA on the coding strand, the reverse complement: FBN1 is on the minus strand). VCF-style (leftmost placement, unchanged base first): chr15-48444516-TTGCTACAACTGATAGCTTTCCTA-T. GRCh37 (hg19) VCF-style: chr15-48736713-TTGCTACAACTGATAGCTTTCCTA-T.
Other names: c.6037+2_6037+24del23 (NM_000138.4).
Identifiers: ClinVar variation 503863 (VCV000503863.4), dbSNP rs1555395636, ClinGen allele CA658798335.

ClinVar aggregate classification (germline): Likely pathogenic. Review status: criteria provided, multiple submitters, no conflicts (2 of 4 stars). 2 submissions from 2 submitters: Likely pathogenic (2). Last evaluated 2024-06-15.

Conditions:
Familial thoracic aortic aneurysm and aortic dissection (TAAD). Also called: Thoracic aortic aneurysms and dissections. Identifiers: Orphanet 91387, MedGen C4707243, MONDO:0019625.
Marfan syndrome (MFS). Also called: Marfan syndrome type 1; Marfan syndrome, classic; Marfan's syndrome; FBN1-Related Marfan Syndrome; MARFAN SYNDROME, TYPE I. Identifiers: Orphanet 284963, Orphanet 558, MedGen C0024796, MONDO:0007947, OMIM 154700.

Submissions (2):

Labcorp Genetics (formerly Invitae), Labcorp
Classification: Likely pathogenic for Marfan syndrome; Familial thoracic aortic aneurysm and aortic dissection. Last evaluated: 2024-06-15. Review status: criteria provided, single submitter. Criteria: Invitae Variant Classification Sherloc (09022015). Collection method: clinical testing. Allele origin: germline.
Comment: This sequence change affects a splice site in intron 49 of the FBN1 gene. It is expected to disrupt RNA splicing. Variants that disrupt the donor or acceptor splice site typically lead to a loss of protein function (PMID: 16199547), and loss-of-function variants in FBN1 are known to be pathogenic (PMID: 17657824, 19293843). This variant is not present in population databases (gnomAD no frequency). Disruption of this splice site has been observed in individual(s) with clinical features of FBN1-related conditions (Invitae). ClinVar contains an entry for this variant (Variation ID: 503863). In summary, the currently available evidence indicates that the variant is pathogenic, but additional data are needed to prove that conclusively. Therefore, this variant has been classified as Likely Pathogenic.

GeneDx
Classification: Likely pathogenic. Last evaluated: 2017-12-01. Review status: criteria provided, single submitter. Criteria: GeneDx Variant Classification (06012015). Collection method: clinical testing. Allele origin: germline. Affected: yes.
Comment: The c.6037+2_6037+24del23 likely pathogenic variant in the FBN1 gene has not been published as pathogenic or been reported as benign to our knowledge. This variant is not observed in large population cohorts (Lek et al., 2016). The c.6037+2_6037+24del23 variant is predicted to destroy the canonical splice donor site in intron 49 and is may cause abnormal gene splicing. Furthermore, other splice site variants in the FBN1 gene have been reported in the Human Gene Mutation Database in association with FBN1-related disorders (Stenson et al., 2014). However, in the absence of functional mRNA studies, the physiological consequence of this variant cannot be precisely determined.

Literature cited by the submitters: PubMed 16199547 (cited by Labcorp Genetics (formerly Invitae), Labcorp); PubMed 17657824 (cited by Labcorp Genetics (formerly Invitae), Labcorp); PubMed 19293843 (cited by Labcorp Genetics (formerly Invitae), Labcorp).